The following is an entry in ClinVar:

NM_001134407.3(GRIN2A):c.998C>A (p.Thr333Asn)

Gene: GRIN2A (glutamate ionotropic receptor NMDA type subunit 2A; minus strand). Cytogenetic location: 16p13.2.
Variant type: single nucleotide variant.
Coding change: c.998C>A on transcript NM_001134407.3 (MANE Select); coding-DNA position 998, C replaced by A.
Protein change: p.Thr333Asn; replaces threonine 333 with asparagine.
Molecular consequence: missense variant.
Genome position (GRCh38, 1-based): chr16:9,937,968, G>T on the plus strand (C>A on the coding strand, the complement: GRIN2A is on the minus strand). VCF-style: chr16-9937968-G-T. GRCh37 (hg19) VCF-style: chr16-10031825-G-T.
Other names: c.998C>A, p.Thr333Asn (NM_000833.5, NM_001134408.2); short protein forms T333N.
Identifiers: ClinVar variation 429492 (VCV000429492.18), dbSNP rs370306281, ClinGen allele CA7896858.

ClinVar aggregate classification (germline): Conflicting classifications of pathogenicity. Review status: criteria provided, conflicting classifications (1 of 4 stars). 4 submissions from 4 submitters: Uncertain significance (3); Likely benign (1). Last evaluated 2025-12-11.

Conditions:
Landau-Kleffner syndrome (FESD). Also called: EPILEPSY, FOCAL, WITH SPEECH DISORDER AND WITH OR WITHOUT MENTAL RETARDATION; APHASIA, ACQUIRED, WITH EPILEPSY. Identifiers: Orphanet 1945, Orphanet 725, Orphanet 98818, MedGen C0282512, MONDO:0009509, OMIM 245570.

Allele frequency attached by ClinVar (database versions not stated): ESP Exome Variant Server 0.00008.
gnomAD v4.1: 17 of 1,611,774 alleles (0.0011%); highest among the groups gnomAD compares: African/African-American, 0.0013%; no homozygotes.

Submissions (4):

Labcorp Genetics (formerly Invitae), Labcorp
Classification: Uncertain significance for Landau-Kleffner syndrome. Last evaluated: 2025-12-11. Review status: criteria provided, single submitter. Criteria: Invitae Variant Classification Sherloc (09022015). Collection method: clinical testing. Allele origin: germline.
Comment: This sequence change replaces threonine, which is neutral and polar, with asparagine, which is neutral and polar, at codon 333 of the GRIN2A protein (p.Thr333Asn). This variant is present in population databases (rs370306281, gnomAD 0.002%). This variant has not been reported in the literature in individuals affected with GRIN2A-related conditions. ClinVar contains an entry for this variant (Variation ID: 429492). Invitae Evidence Modeling of protein sequence and biophysical properties (such as structural, functional, and spatial information, amino acid conservation, physicochemical variation, residue mobility, and thermodynamic stability) indicates that this missense variant is not expected to disrupt GRIN2A protein function with a negative predictive value of 95%. In summary, the available evidence is currently insufficient to determine the role of this variant in disease. Therefore, it has been classified as a Variant of Uncertain Significance.

CeGaT Center for Human Genetics Tuebingen
Classification: Likely benign. Last evaluated: 2025-01-01. Review status: criteria provided, single submitter. Criteria: CeGaT Center For Human Genetics Tuebingen Variant Classification Criteria Version 2. Collection method: clinical testing. Allele origin: germline. Affected: yes. Observed: 1 variant allele.
Comment: GRIN2A: BP4

Blueprint Genetics
Classification: Uncertain significance. Last evaluated: 2024-03-01. Review status: criteria provided, single submitter. Criteria: ACMG Guidelines, 2015. Collection method: clinical testing. Allele origin: germline.

GeneDx
Classification: Uncertain significance. Last evaluated: 2017-12-04. Review status: criteria provided, single submitter. Criteria: GeneDx Variant Classification (06012015). Collection method: clinical testing. Allele origin: germline. Affected: yes.
Comment: A variant of uncertain significance has been identified in the GRIN2A gene. The T333N variant has not been published as a pathogenic variant, nor has it been reported as a benign variant to our knowledge. The T333N variant is not observed at a significant frequency in large population cohorts (Lek et al., 2016; 1000 Genomes Consortium et al., 2015; Exome Variant Server). This substitution occurs at a position that is conserved in mammals. However, the T333N variant is a conservative amino acid substitution, which is not likely to impact secondary protein structure as these residues share similar properties. In silico analysis is inconsistent in its predictions as to whether or not the variant is damaging to the protein structure/function. Therefore, based on the currently available information, it is unclear whether this variant is a pathogenic variant or a rare benign variant.